The following is an entry in ClinVar:

ClinVar aggregate classification (germline): Uncertain significance (1 of 4 stars; one submission).

Conditions:
Renal coloboma syndrome (PAPRS). Also called: PAPILLORENAL SYNDROME; COLOBOMA OF OPTIC NERVE WITH RENAL DISEASE; OPTIC COLOBOMA, VESICOURETERAL REFLUX, AND RENAL ANOMALIES; OPTIC NERVE COLOBOMA WITH RENAL DISEASE; RENAL-COLOBOMA SYNDROME WITH MACULAR ABNORMALITIES; PAPILLORENAL SYNDROME WITH MILD OCULAR ABNORMALITIES. Identifiers: Orphanet 1475, MedGen C1852759, MONDO:0007352, OMIM 120330.
Focal segmental glomerulosclerosis 7 (FSGS7). Identifiers: Orphanet 656, MedGen C4014925, MONDO:0014451, OMIM 616002.

gnomAD v4.1: 2 of 1,613,078 alleles (0.00012%); highest among the groups gnomAD compares: Non-Finnish European, 0.00017%; no homozygotes.

Submission:

Labcorp Genetics (formerly Invitae), Labcorp
Classification: Uncertain significance for Renal coloboma syndrome; Focal segmental glomerulosclerosis 7. Last evaluated: 2022-02-14. Review status: criteria provided, single submitter. Criteria: Invitae Variant Classification Sherloc (09022015). Collection method: clinical testing. Allele origin: germline.
Comment: This variant is not present in population databases (gnomAD no frequency). This sequence change affects a donor splice site in intron 9 of the PAX2 gene. It is expected to disrupt RNA splicing. Variants that disrupt the donor or acceptor splice site typically lead to a loss of protein function (PMID: 16199547). However, it is currently unclear if variants that occur in this region of the gene cause disease. This variant has not been reported in the literature in individuals affected with PAX2-related conditions. In summary, the available evidence is currently insufficient to determine the role of this variant in disease. Therefore, it has been classified as a Variant of Uncertain Significance. Algorithms developed to predict the effect of sequence changes on RNA splicing suggest that this variant may disrupt the consensus splice site.

Literature cited by the submitters: PubMed 16199547.

NM_000278.5(PAX2):c.1021+236G>C

Gene: PAX2 (paired box 2; plus strand). Cytogenetic location: 10q24.31.
Variant type: single nucleotide variant.
Coding change: c.1021+236G>C on transcript NM_000278.5 (MANE Select); 236 bases into the intron after coding-DNA position 1021, G replaced by C.
Molecular consequence: intron variant. On other transcripts: splice donor variant (1).
Genome position (GRCh38, 1-based): chr10:100,824,985, G>C. VCF-style: chr10-100824985-G-C. GRCh37 (hg19) VCF-style: chr10-102584742-G-C.
Other names: c.1114+236G>C (NM_001304569.2); c.1090+236G>C (NM_003987.5, NM_003990.5); c.1104+1G>C (NM_003988.5); c.1021+236G>C (NM_003989.5).
Identifiers: ClinVar variation 2097635 (VCV002097635.4), dbSNP rs1364479647, ClinGen allele CA378259904.